The following is an entry in ClinVar:

NM_001035.3(RYR2):c.8332T>G (p.Ser2778Ala)

Gene: RYR2 (ryanodine receptor 2; plus strand). Cytogenetic location: 1q43.
Variant type: single nucleotide variant.
Coding change: c.8332T>G on transcript NM_001035.3 (MANE Select); coding-DNA position 8332, T replaced by G.
Protein change: p.Ser2778Ala; replaces serine 2778 with alanine.
Molecular consequence: missense variant.
Genome position (GRCh38, 1-based): chr1:237,660,843, T>G. VCF-style: chr1-237660843-T-G. GRCh37 (hg19) VCF-style: chr1-237824143-T-G.
Other names: short protein forms S2778A.
Identifiers: ClinVar variation 3072104 (VCV003072104.3), dbSNP rs1573391679, ClinGen allele CA345401802.

ClinVar aggregate classification (germline): Uncertain significance. Review status: criteria provided, multiple submitters, no conflicts (2 of 4 stars). 2 submissions from 2 submitters: Uncertain significance (2). Last evaluated 2024-05-26.

Conditions:
Catecholaminergic polymorphic ventricular tachycardia (CVPT). Also called: Catecholamine-induced polymorphic ventricular tachycardia. Identifiers: Orphanet 3286, MedGen C5574922, MONDO:0017990.
Catecholaminergic polymorphic ventricular tachycardia 1. Also called: VENTRICULAR TACHYCARDIA, CATECHOLAMINERGIC POLYMORPHIC, 1, WITH OR WITHOUT ATRIAL DYSFUNCTION AND/OR DILATED CARDIOMYOPATHY; RYR2-Related Catecholaminergic Polymorphic Ventricular Tachycardia; VENTRICULAR TACHYCARDIA, STRESS-INDUCED POLYMORPHIC 1. Identifiers: Orphanet 3286, MedGen C1631597, MONDO:0011484, OMIM 604772.

Submissions (2):

Labcorp Genetics (formerly Invitae), Labcorp
Classification: Uncertain significance for Catecholaminergic polymorphic ventricular tachycardia 1. Last evaluated: 2024-05-26. Review status: criteria provided, single submitter. Criteria: Invitae Variant Classification Sherloc (09022015). Collection method: clinical testing. Allele origin: germline.
Comment: This sequence change replaces serine, which is neutral and polar, with alanine, which is neutral and non-polar, at codon 2778 of the RYR2 protein (p.Ser2778Ala). This variant is not present in population databases (gnomAD no frequency). This variant has not been reported in the literature in individuals affected with RYR2-related conditions. Advanced modeling of protein sequence and biophysical properties (such as structural, functional, and spatial information, amino acid conservation, physicochemical variation, residue mobility, and thermodynamic stability) performed at Invitae indicates that this missense variant is not expected to disrupt RYR2 protein function with a negative predictive value of 95%. In summary, the available evidence is currently insufficient to determine the role of this variant in disease. Therefore, it has been classified as a Variant of Uncertain Significance.

All of Us Research Program, National Institutes of Health
Classification: Uncertain significance for Catecholaminergic polymorphic ventricular tachycardia. Last evaluated: 2023-06-28. Review status: criteria provided, single submitter. Criteria: ACMG Guidelines, 2015. Collection method: clinical testing. Allele origin: germline. Inheritance: Autosomal dominant inheritance. Observed: 1 variant allele, 1 heterozygote.
Comment: This study involves interpretation of variants in research participants for the purpose of population health screening. Participant phenotype was not available at the time of variant classification. Additional details can be found in publication PMID: 35346344, PMCID: PMC8962531